The following is an entry in ClinVar:

NM_138615.3(DHX30):c.2353C>T (p.Arg785Cys)

Gene: DHX30 (DExH-box helicase 30; plus strand). Cytogenetic location: 3p21.31.
Variant type: single nucleotide variant.
Coding change: c.2353C>T on transcript NM_138615.3 (MANE Select); coding-DNA position 2353, C replaced by T.
Protein change: p.Arg785Cys; replaces arginine 785 with cysteine.
Molecular consequence: missense variant.
Genome position (GRCh38, 1-based): chr3:47,848,246, C>T. VCF-style: chr3-47848246-C-T. GRCh37 (hg19) VCF-style: chr3-47889736-C-T.
Other names: c.2269C>T, p.Arg757Cys (NM_001330990.2); c.2236C>T, p.Arg746Cys (NM_014966.4); short protein forms R746C, R757C, R785C.
Identifiers: ClinVar variation 426111 (VCV000426111.12), dbSNP rs1085307451, ClinGen allele CA352590365.

ClinVar aggregate classification (germline): Pathogenic/Likely pathogenic. Review status: criteria provided, multiple submitters, no conflicts (2 of 4 stars). 8 submissions from 8 submitters: Pathogenic (5); Likely pathogenic (1). 2 of the submissions do not count toward it. Last evaluated 2025-06-25.

Conditions:
Neurodevelopmental disorder with severe motor impairment and absent language. Also called: NEURODEVELOPMENTAL DISORDER WITH VARIABLE MOTOR AND LANGUAGE IMPAIRMENT. Identifiers: Orphanet 647788, MedGen C4540496, MONDO:0060622, OMIM 617804.
Inborn genetic diseases. Identifiers: MedGen C0950123, MeSH D030342.

Submissions (8):

3billion
Classification: Pathogenic for Neurodevelopmental disorder with severe motor impairment and absent language. Last evaluated: 2025-06-25. Review status: criteria provided, single submitter. Criteria: ACMG Guidelines, 2015. Collection method: clinical testing. Allele origin: germline. Affected: yes.
Comment: The variant is not observed in the gnomAD v4.1.0 dataset. Predicted Consequence/Location: Missense variant. Missense changes are a common disease-causing mechanism. Functional studies provide moderate evidence of the variant having a damaging effect on the gene or gene product (PMID: 29100085). In silico tool predictions suggest damaging effect of the variant on gene or gene product [REVEL: 0.94 (>=0.6, sensitivity 0.68 and specificity 0.92)]. The same nucleotide change resulting in the same amino acid change has been previously reported as pathogenic/likely pathogenic with strong evidence (ClinVar ID: VCV000426111 /PMID: 29100085 /3billion dataset). The variant has been previously reported as de novo in a similarly affected individual (PMID: 29100085). A different missense change at the same codon (p.Arg785His) has been reported as pathogenic/likely pathogenic with strong evidence (ClinVar ID: VCV000453272 /PMID: 29100085). Therefore, this variant is classified as Pathogenic according to the recommendation of ACMG/AMP guideline.

Ambry Genetics
Classification: Pathogenic for Inborn genetic diseases. Last evaluated: 2024-02-12. Review status: criteria provided, single submitter. Criteria: Ambry Variant Classification Scheme 2023. Collection method: clinical testing. Allele origin: germline.
Comment: The c.2353C>T (p.R785C) alteration is located in exon 15 (coding exon 13) of the DHX30 gene. This alteration results from a C to T substitution at nucleotide position 2353, causing the arginine (R) at amino acid position 785 to be replaced by a cysteine (C). This variant was not reported in population-based cohorts in the Genome Aggregation Database (gnomAD). This variant has been determined to be the result of a de novo mutation in multiple individuals with features consistent with DHX30-related neurodevelopmental disorder (Lessel, 2017; Ambry internal data). This amino acid position is highly conserved in available vertebrate species. Functional analysis demonstrated that protein with the p.R785C alteration had reduced ATPase activity, abnormal accumulation in the cytoplasm, increased propensity to form stress granules preventing normal translation, and a decreased rate of newly formed peptides (Lessel, 2017). This alteration is predicted to be deleterious by in silico analysis. Based on the available evidence, this alteration is classified as pathogenic.

Institute of Human Genetics, University of Leipzig Medical Center
Classification: Pathogenic for Neurodevelopmental disorder with severe motor impairment and absent language. Last evaluated: 2023-11-14. Review status: criteria provided, single submitter. Criteria: ACMG Guidelines, 2015. Collection method: clinical testing. Allele origin: unknown. Inheritance: Autosomal dominant inheritance. Affected: yes.
Comment: Criteria applied: PS2_VSTR,PM2_SUP,PP2,PP3

Baylor Genetics
Classification: Pathogenic for Neurodevelopmental disorder with severe motor impairment and absent language. Last evaluated: 2018-09-28. Review status: criteria provided, single submitter. Criteria: ACMG Guidelines, 2015. Collection method: clinical testing. Allele origin: de novo. Affected: yes.
Comment: This variant was determined to be pathogenic according to ACMG Guidelines, 2015 [PMID:25741868]. This variant has been reported de novo in multiple unrelated individuals with global developmental delay, intellectual disability, severe speech impairment, gait abnormalities, cerebral atrophy, and delayed myelination [PMID 29100085]

HudsonAlpha Institute for Biotechnology
Classification: Pathogenic. Last evaluated: 2017-12-05. Review status: criteria provided, single submitter. Criteria: HA_assertions_20161101. Collection method: research. Allele origin: de novo. Affected: yes. Observed: 1 variant allele. Study: CSER-HudsonAlpha.

Suma Genomics
Classification: Likely pathogenic for Neurodevelopmental disorder with severe motor impairment and absent language. Review status: criteria provided, single submitter. Criteria: ACMG Guidelines, 2015. Collection method: clinical testing. Allele origin: unknown. Inheritance: Autosomal dominant inheritance. Affected: yes.

OMIM
Classification: Pathogenic for NEURODEVELOPMENTAL DISORDER WITH VARIABLE MOTOR AND SPEECH IMPAIRMENT. Last evaluated: 2023-02-27. Review status: no assertion criteria provided. Collection method: literature only. Allele origin: germline. Not counted in ClinVar's aggregate classification.

Molecular Genetics laboratory, Necker Hospital
Classification: Pathogenic. Last evaluated: 2020-03-24. Review status: no assertion criteria provided. Collection method: clinical testing. Allele origin: de novo. Affected: yes. Not counted in ClinVar's aggregate classification.

Literature cited by the submitters: PubMed 29100085 (cited by 4 submitters).